The following is an entry in ClinVar:

ClinVar aggregate classification (germline): Uncertain significance (1 of 4 stars; one submission).

Allele frequency attached by ClinVar (database versions not stated): gnomAD exomes below 0.00001; ExAC 0.00001; gnomAD 0.00003; TOPMed 0.00003.
gnomAD v4.1: 10 of 1,613,804 alleles (0.00062%); highest among the groups gnomAD compares: African/African-American, 0.0027%; no homozygotes.

Submission:

Labcorp Genetics (formerly Invitae), Labcorp
Classification: Uncertain significance. Last evaluated: 2025-12-08. Review status: criteria provided, single submitter. Criteria: Invitae Variant Classification Sherloc (09022015). Collection method: clinical testing. Allele origin: germline.
Comment: This sequence change replaces glycine, which is neutral and non-polar, with aspartic acid, which is acidic and polar, at codon 344 of the AUTS2 protein (p.Gly344Asp). This variant is present in population databases (rs748891948, gnomAD 0.007%). This variant has not been reported in the literature in individuals affected with AUTS2-related conditions. ClinVar contains an entry for this variant (Variation ID: 3019173). An algorithm developed to predict the effect of missense changes on protein structure and function (PolyPhen-2) suggests that this variant is likely to be disruptive. In summary, the available evidence is currently insufficient to determine the role of this variant in disease. Therefore, it has been classified as a Variant of Uncertain Significance.

NM_015570.4(AUTS2):c.1031G>A (p.Gly344Asp)

Gene: AUTS2 (activator of transcription and developmental regulator AUTS2; plus strand). Cytogenetic location: 7q11.22.
Variant type: single nucleotide variant.
Coding change: c.1031G>A on transcript NM_015570.4 (MANE Select); coding-DNA position 1031, G replaced by A.
Protein change: p.Gly344Asp; replaces glycine 344 with aspartic acid.
Molecular consequence: missense variant.
Genome position (GRCh38, 1-based): chr7:70,763,158, G>A. VCF-style: chr7-70763158-G-A. GRCh37 (hg19) VCF-style: chr7-70228144-G-A.
Other names: c.1031G>A, p.Gly344Asp (NM_001127231.3); short protein forms G344D.
Identifiers: ClinVar variation 3019173 (VCV003019173.3), dbSNP rs748891948, ClinGen allele CA4280540.